The following is an entry in ClinVar:

NM_006231.4(POLE):c.5180T>A (p.Val1727Glu)

Gene: POLE (DNA polymerase epsilon, catalytic subunit; minus strand). Cytogenetic location: 12q24.33.
Variant type: single nucleotide variant.
Coding change: c.5180T>A on transcript NM_006231.4 (MANE Select); coding-DNA position 5180, T replaced by A.
Protein change: p.Val1727Glu; replaces valine 1727 with glutamic acid.
Molecular consequence: missense variant.
Genome position (GRCh38, 1-based): chr12:132,641,845, A>T on the plus strand (T>A on the coding strand, the complement: POLE is on the minus strand). VCF-style: chr12-132641845-A-T. GRCh37 (hg19) VCF-style: chr12-133218431-A-T.
Other names: c.5180T>A (NM_006231.2); short protein forms V1727E.
Identifiers: ClinVar variation 473715 (VCV000473715.9), dbSNP rs1384842148, ClinGen allele CA387376518.

ClinVar aggregate classification (germline): Uncertain significance. Review status: criteria provided, multiple submitters, no conflicts (2 of 4 stars). 2 submissions from 2 submitters: Uncertain significance (2). Last evaluated 2026-01-26.

Conditions:
Hereditary cancer-predisposing syndrome. Also called: Neoplastic Syndromes, Hereditary; Tumor predisposition; Hereditary Cancer Syndrome; Hereditary neoplastic syndrome. Identifiers: Orphanet 140162, MedGen C0027672, MeSH D009386, MONDO:0015356.

Allele frequency attached by ClinVar (database versions not stated): gnomAD exomes 0.00001.
gnomAD v4.1: 24 of 1,599,862 alleles (0.0015%); highest among the groups gnomAD compares: Non-Finnish European, 0.002%; no homozygotes.

Submissions (2):

Labcorp Genetics (formerly Invitae), Labcorp
Classification: Uncertain significance. Last evaluated: 2026-01-26. Review status: criteria provided, single submitter. Criteria: Invitae Variant Classification Sherloc (09022015). Collection method: clinical testing. Allele origin: germline.
Comment: This sequence change replaces valine, which is neutral and non-polar, with glutamic acid, which is acidic and polar, at codon 1727 of the POLE protein (p.Val1727Glu). This variant is present in population databases (no rsID available, gnomAD 0.002%). This variant has not been reported in the literature in individuals affected with POLE-related conditions. ClinVar contains an entry for this variant (Variation ID: 473715). Invitae Evidence Modeling of protein sequence and biophysical properties (such as structural, functional, and spatial information, amino acid conservation, physicochemical variation, residue mobility, and thermodynamic stability) indicates that this missense variant is expected to disrupt POLE protein function with a positive predictive value of 80%. In summary, the available evidence is currently insufficient to determine the role of this variant in disease. Therefore, it has been classified as a Variant of Uncertain Significance.

Ambry Genetics
Classification: Uncertain significance for Hereditary cancer-predisposing syndrome. Last evaluated: 2025-01-14. Review status: criteria provided, single submitter. Criteria: Ambry Variant Classification Scheme 2023. Collection method: clinical testing. Allele origin: germline.
Comment: The p.V1727E variant (also known as c.5180T>A), located in coding exon 39 of the POLE gene, results from a T to A substitution at nucleotide position 5180. The valine at codon 1727 is replaced by glutamic acid, an amino acid with dissimilar properties. This amino acid position is well conserved in available vertebrate species. In addition, the in silico prediction for this alteration is inconclusive. Based on the available evidence, the clinical significance of this variant remains unclear.